The following is an entry in ClinVar:

ClinVar aggregate classification (germline): Uncertain significance (1 of 4 stars; one submission).

Conditions:
TAC3-related disorder. Also called: TAC3-related condition.

Allele frequency attached by ClinVar (database versions not stated): gnomAD 0.00001; gnomAD exomes 0.00002; TOPMed 0.00002; ExAC 0.00004; ESP Exome Variant Server 0.00008.
gnomAD v4.1: 38 of 1,613,866 alleles (0.0024%); highest among the groups gnomAD compares: Middle Eastern, 0.082%; 1 homozygote.

Submission:

PreventionGenetics, part of Exact Sciences
Classification: Uncertain significance for TAC3-related condition. Last evaluated: 2024-11-28. Review status: criteria provided, single submitter. Criteria: ACMG Guidelines, 2015. Collection method: clinical testing. Allele origin: germline.
Comment: The TAC3 c.232G>A variant is predicted to result in the amino acid substitution p.Glu78Lys. To our knowledge, this variant has not been reported in the literature. This variant is reported in 0.0065% of alleles in individuals of South Asian descent in gnomAD. At this time, the clinical significance of this variant is uncertain due to the absence of conclusive functional and genetic evidence.

NM_013251.4(TAC3):c.232G>A (p.Glu78Lys)

Gene: TAC3 (tachykinin precursor 3; minus strand). Cytogenetic location: 12q13.3.
Variant type: single nucleotide variant.
Coding change: c.232G>A on transcript NM_013251.4 (MANE Select); coding-DNA position 232, G replaced by A.
Protein change: p.Glu78Lys; replaces glutamic acid 78 with lysine.
Molecular consequence: missense variant. On other transcripts: non-coding transcript variant (4).
Genome position (GRCh38, 1-based): chr12:57,013,365, C>T on the plus strand (G>A on the coding strand, the complement: TAC3 is on the minus strand). VCF-style: chr12-57013365-C-T. GRCh37 (hg19) VCF-style: chr12-57407149-C-T.
Other names: c.232G>A, p.Glu78Lys (NM_001178054.2); short protein forms E78K.
Identifiers: ClinVar variation 2634863 (VCV002634863.2), dbSNP rs374449725, ClinGen allele CA6639404.